The following is an entry in ClinVar:

ClinVar aggregate classification (germline): Uncertain significance (1 of 4 stars; one submission).

Conditions:
Familial focal epilepsy with variable foci (FPEVF). Identifiers: Orphanet 98820, MedGen C1858477, MONDO:0020310.

Allele frequency attached by ClinVar (database versions not stated): TOPMed below 0.00001.

Submission:

Labcorp Genetics (formerly Invitae), Labcorp
Classification: Uncertain significance for Familial focal epilepsy with variable foci. Last evaluated: 2021-07-26. Review status: criteria provided, single submitter. Criteria: Invitae Variant Classification Sherloc (09022015). Collection method: clinical testing. Allele origin: germline.
Comment: In summary, the available evidence is currently insufficient to determine the role of this variant in disease. Therefore, it has been classified as a Variant of Uncertain Significance. Algorithms developed to predict the effect of missense changes on protein structure and function are either unavailable or do not agree on the potential impact of this missense change (SIFT: "Tolerated"; PolyPhen-2: "Not Available"; Align-GVGD: "Class C0"). This variant has not been reported in the literature in individuals with DEPDC5-related disease. This variant is not present in population databases (ExAC no frequency). This sequence change replaces cysteine with serine at codon 1370 of the DEPDC5 protein (p.Cys1370Ser). The cysteine residue is highly conserved and there is a moderate physicochemical difference between cysteine and serine.

NM_001242896.3(DEPDC5):c.4108T>A (p.Cys1370Ser)

Gene: DEPDC5 (DEP domain containing 5, GATOR1 subcomplex subunit; plus strand). Cytogenetic location: 22q12.3.
Variant type: single nucleotide variant.
Coding change: c.4108T>A on transcript NM_001242896.3 (MANE Select); coding-DNA position 4108, T replaced by A.
Protein change: p.Cys1370Ser; replaces cysteine 1370 with serine.
Molecular consequence: missense variant. On other transcripts: non-coding transcript variant (5).
Genome position (GRCh38, 1-based): chr22:31,893,656, T>A. VCF-style: chr22-31893656-T-A. GRCh37 (hg19) VCF-style: chr22-32289642-T-A.
Other names: c.4081T>A, p.Cys1361Ser (NM_001136029.4); c.3808T>A, p.Cys1270Ser (NM_001242897.2); c.4042T>A, p.Cys1348Ser (NM_001363852.2, NM_001364320.2); c.3874T>A, p.Cys1292Ser (NM_001363854.2, NM_001364319.2); c.4108T>A, p.Cys1370Ser (NM_001364318.2); c.4024T>A, p.Cys1342Ser (NM_001369901.1, NM_001369902.1); c.4015T>A, p.Cys1339Ser (NM_001369903.1, NM_014662.6); short protein forms C1348S, C1270S, C1342S, C1370S, C1292S, C1339S, C1361S.
Identifiers: ClinVar variation 658409 (VCV000658409.10), dbSNP rs771269120, ClinGen allele CA411286955.